The following is an entry in ClinVar:

NM_022455.5(NSD1):c.458T>C (p.Phe153Ser)

Gene: NSD1 (nuclear receptor binding SET domain protein 1; plus strand). Cytogenetic location: 5q35.3.
Variant type: single nucleotide variant.
Coding change: c.458T>C on transcript NM_022455.5 (MANE Select); coding-DNA position 458, T replaced by C.
Protein change: p.Phe153Ser; replaces phenylalanine 153 with serine.
Molecular consequence: missense variant. On other transcripts: intron variant (8).
Genome position (GRCh38, 1-based): chr5:177,135,561, T>C. VCF-style: chr5-177135561-T-C. GRCh37 (hg19) VCF-style: chr5-176562562-T-C.
Other names: c.458T>C, p.Phe153Ser (NM_001409301.1, NM_001409302.1, NM_001409303.1); c.417+41T>C (NM_001409304.1); c.-37+361T>C (NM_001409305.1, NM_001409306.1, NM_001409308.1 and 4 more transcripts); short protein forms F153S.
Identifiers: ClinVar variation 4748562 (VCV004748562.1).

ClinVar aggregate classification (germline): Uncertain significance (1 of 4 stars; one submission).

Submission:

Labcorp Genetics (formerly Invitae), Labcorp
Classification: Uncertain significance. Last evaluated: 2025-12-13. Review status: criteria provided, single submitter. Criteria: Invitae Variant Classification Sherloc (09022015). Collection method: clinical testing. Allele origin: germline.
Comment: This sequence change replaces phenylalanine, which is neutral and non-polar, with serine, which is neutral and polar, at codon 153 of the NSD1 protein (p.Phe153Ser). This variant is not present in population databases (gnomAD no frequency). This variant has not been reported in the literature in individuals affected with NSD1-related conditions. Invitae Evidence Modeling of protein sequence and biophysical properties (such as structural, functional, and spatial information, amino acid conservation, physicochemical variation, residue mobility, and thermodynamic stability) indicates that this missense variant is not expected to disrupt NSD1 protein function with a negative predictive value of 95%. In summary, the available evidence is currently insufficient to determine the role of this variant in disease. Therefore, it has been classified as a Variant of Uncertain Significance.